The following is an entry in ClinVar:

NM_014239.4(EIF2B2):c.799G>A (p.Val267Ile)

Gene: EIF2B2 (eukaryotic translation initiation factor 2B subunit beta; plus strand). Cytogenetic location: 14q24.3.
Variant type: single nucleotide variant.
Coding change: c.799G>A on transcript NM_014239.4 (MANE Select); coding-DNA position 799, G replaced by A.
Protein change: p.Val267Ile; replaces valine 267 with isoleucine.
Molecular consequence: missense variant.
Genome position (GRCh38, 1-based): chr14:75,006,682, G>A. VCF-style: chr14-75006682-G-A. GRCh37 (hg19) VCF-style: chr14-75473385-G-A.
Other names: short protein forms V267I.
Identifiers: ClinVar variation 2072039 (VCV002072039.1), dbSNP rs776608965, ClinGen allele CA7275051.

ClinVar aggregate classification (germline): Uncertain significance (1 of 4 stars; one submission).

Allele frequency attached by ClinVar (database versions not stated): TOPMed 0.00002; ExAC 0.00003; gnomAD 0.00003; gnomAD exomes 0.00005.

Submission:

Labcorp Genetics (formerly Invitae), Labcorp
Classification: Uncertain significance. Last evaluated: 2022-08-08. Review status: criteria provided, single submitter. Criteria: Invitae Variant Classification Sherloc (09022015). Collection method: clinical testing. Allele origin: germline.
Comment: This sequence change replaces valine, which is neutral and non-polar, with isoleucine, which is neutral and non-polar, at codon 267 of the EIF2B2 protein (p.Val267Ile). This variant is present in population databases (rs776608965, gnomAD 0.005%). This variant has not been reported in the literature in individuals affected with EIF2B2-related conditions. Algorithms developed to predict the effect of missense changes on protein structure and function are either unavailable or do not agree on the potential impact of this missense change (SIFT: "Tolerated"; PolyPhen-2: "Possibly Damaging"; Align-GVGD: "Class C0"). In summary, the available evidence is currently insufficient to determine the role of this variant in disease. Therefore, it has been classified as a Variant of Uncertain Significance.